The following is an entry in ClinVar:

NM_021076.4(NEFH):c.14G>C (p.Gly5Ala)

Gene: NEFH (neurofilament heavy chain; plus strand). Cytogenetic location: 22q12.2.
Variant type: single nucleotide variant.
Coding change: c.14G>C on transcript NM_021076.4 (MANE Select); coding-DNA position 14, G replaced by C.
Protein change: p.Gly5Ala; replaces glycine 5 with alanine.
Molecular consequence: missense variant.
Genome position (GRCh38, 1-based): chr22:29,480,276, G>C. VCF-style: chr22-29480276-G-C. GRCh37 (hg19) VCF-style: chr22-29876265-G-C.
Other names: short protein forms G5A.
Identifiers: ClinVar variation 1773983 (VCV001773983.9), dbSNP rs1036422771, ClinGen allele CA323082668.

ClinVar aggregate classification (germline): Uncertain significance. Review status: criteria provided, multiple submitters, no conflicts (2 of 4 stars). 3 submissions from 3 submitters: Uncertain significance (3). Last evaluated 2024-10-07.

Conditions:
Inborn genetic diseases. Identifiers: MedGen C0950123, MeSH D030342.
NEFH-related disorder. Also called: NEFH-related condition.

Allele frequency attached by ClinVar (database versions not stated): gnomAD 0.00008; TOPMed 0.00014.
gnomAD v4.1: 23 of 1,510,368 alleles (0.0015%); highest among the groups gnomAD compares: African/African-American, 0.029%; no homozygotes.

Submissions (3):

Ambry Genetics
Classification: Uncertain significance for Inborn genetic diseases. Last evaluated: 2024-10-07. Review status: criteria provided, single submitter. Criteria: Ambry Variant Classification Scheme 2023. Collection method: clinical testing. Allele origin: germline.

Labcorp Genetics (formerly Invitae), Labcorp
Classification: Uncertain significance. Last evaluated: 2024-07-25. Review status: criteria provided, single submitter. Criteria: Invitae Variant Classification Sherloc (09022015). Collection method: clinical testing. Allele origin: germline.
Comment: This sequence change replaces glycine, which is neutral and non-polar, with alanine, which is neutral and non-polar, at codon 5 of the NEFH protein (p.Gly5Ala). This variant is present in population databases (no rsID available, gnomAD 0.02%). This variant has not been reported in the literature in individuals affected with NEFH-related conditions. ClinVar contains an entry for this variant (Variation ID: 1773983). Advanced modeling of protein sequence and biophysical properties (such as structural, functional, and spatial information, amino acid conservation, physicochemical variation, residue mobility, and thermodynamic stability) performed at Invitae indicates that this missense variant is not expected to disrupt NEFH protein function with a negative predictive value of 95%. In summary, the available evidence is currently insufficient to determine the role of this variant in disease. Therefore, it has been classified as a Variant of Uncertain Significance.

PreventionGenetics, part of Exact Sciences
Classification: Uncertain significance for NEFH-related condition. Last evaluated: 2023-07-05. Review status: criteria provided, single submitter. Criteria: ACMG Guidelines, 2015. Collection method: clinical testing. Allele origin: germline.
Comment: The NEFH c.14G>C variant is predicted to result in the amino acid substitution p.Gly5Ala. To our knowledge, this variant has not been reported in the literature. This variant is reported in 0.019% of alleles in individuals of African descent in gnomAD. At this time, the clinical significance of this variant is uncertain due to the absence of conclusive functional and genetic evidence.